The following is an entry in ClinVar:

ClinVar aggregate classification (germline): Uncertain significance. Review status: criteria provided, multiple submitters, no conflicts (2 of 4 stars). 2 submissions from 2 submitters: Uncertain significance (2). Last evaluated 2022-09-29.

Conditions:
Inborn genetic diseases. Identifiers: MedGen C0950123, MeSH D030342.

Allele frequency attached by ClinVar (database versions not stated): gnomAD 0.00001; TOPMed 0.00002.
gnomAD v4.1: 2 of 1,612,652 alleles (0.00012%); highest among the groups gnomAD compares: African/African-American, 0.0027%; no homozygotes.

Submissions (2):

Ambry Genetics
Classification: Uncertain significance for Inborn genetic diseases. Last evaluated: 2022-09-29. Review status: criteria provided, single submitter. Criteria: Ambry Variant Classification Scheme 2023. Collection method: clinical testing. Allele origin: germline.

Labcorp Genetics (formerly Invitae), Labcorp
Classification: Uncertain significance. Last evaluated: 2022-05-04. Review status: criteria provided, single submitter. Criteria: Invitae Variant Classification Sherloc (09022015). Collection method: clinical testing. Allele origin: germline.
Comment: In summary, the available evidence is currently insufficient to determine the role of this variant in disease. Therefore, it has been classified as a Variant of Uncertain Significance. Algorithms developed to predict the effect of missense changes on protein structure and function are either unavailable or do not agree on the potential impact of this missense change (SIFT: "Not Available"; PolyPhen-2: "Possibly Damaging"; Align-GVGD: "Not Available"). This variant has not been reported in the literature in individuals affected with MYO18B-related conditions. This variant is present in population databases (no rsID available, gnomAD 0.007%). This sequence change replaces serine, which is neutral and polar, with cysteine, which is neutral and slightly polar, at codon 85 of the MYO18B protein (p.Ser85Cys).

NM_032608.7(MYO18B):c.254C>G (p.Ser85Cys)

Gene: MYO18B (myosin XVIIIB; plus strand). Cytogenetic location: 22q12.1.
Variant type: single nucleotide variant.
Coding change: c.254C>G on transcript NM_032608.7 (MANE Select); coding-DNA position 254, C replaced by G.
Protein change: p.Ser85Cys; replaces serine 85 with cysteine.
Molecular consequence: missense variant.
Genome position (GRCh38, 1-based): chr22:25,768,170, C>G. VCF-style: chr22-25768170-C-G. GRCh37 (hg19) VCF-style: chr22-26164137-C-G.
Other names: c.254C>G, p.Ser85Cys (NM_001318245.2); short protein forms S85C.
Identifiers: ClinVar variation 2131721 (VCV002131721.5), dbSNP rs1258830365, ClinGen allele CA411001102.